The following is an entry in ClinVar:

ClinVar aggregate classification (germline): Benign/Likely benign. Review status: criteria provided, multiple submitters, no conflicts (2 of 4 stars). 3 submissions from 3 submitters: Benign (1); Likely benign (1). 1 of the submissions does not count toward it. Last evaluated 2025-12-01.

Conditions:
HCFC1-related disorder. Also called: HCFC1-related condition.
Methylmalonic acidemia with homocystinuria, type cblX (MAHCX). Also called: INTELLECTUAL DEVELOPMENTAL DISORDER, X-LINKED 3. Identifiers: Orphanet 369962, MedGen C0796208, MONDO:0010657, OMIM 309541.

Allele frequency attached by ClinVar (database versions not stated): gnomAD exomes 0.00003; TOPMed 0.00003; gnomAD 0.00005; 1000 Genomes Project 30x 0.00021; 1000 Genomes Project 0.00026; ExAC 0.00036.
gnomAD v4.1: 33 of 1,150,456 alleles (0.0029%); highest among the groups gnomAD compares: Admixed American, 0.014%; no homozygotes.

Submissions (3):

CeGaT Center for Human Genetics Tuebingen
Classification: Likely benign. Last evaluated: 2025-12-01. Review status: criteria provided, single submitter. Criteria: CeGaT Center For Human Genetics Tuebingen Variant Classification Criteria Version 2. Collection method: clinical testing. Allele origin: germline. Affected: yes. Observed: 1 variant allele.
Comment: HCFC1: BP4, BP7, BS2

Labcorp Genetics (formerly Invitae), Labcorp
Classification: Benign for Methylmalonic acidemia with homocystinuria, type cblX. Last evaluated: 2024-02-17. Review status: criteria provided, single submitter. Criteria: Invitae Variant Classification Sherloc (09022015). Collection method: clinical testing. Allele origin: germline.

PreventionGenetics, part of Exact Sciences
Classification: Likely benign for HCFC1-related condition. Last evaluated: 2019-05-07. Review status: no assertion criteria provided. Collection method: clinical testing. Allele origin: germline. Not counted in ClinVar's aggregate classification.
Comment: This variant is classified as likely benign based on ACMG/AMP sequence variant interpretation guidelines (Richards et al. 2015 PMID: 25741868, with internal and published modifications).

NM_005334.3(HCFC1):c.3567C>T (p.Ala1189=)

Gene: HCFC1 (host cell factor C1; minus strand). Cytogenetic location: Xq28.
Variant type: single nucleotide variant.
Coding change: c.3567C>T on transcript NM_005334.3 (MANE Select); coding-DNA position 3567, C replaced by T.
Protein change: p.Ala1189=; no amino-acid change (alanine 1189 retained).
Molecular consequence: synonymous variant.
Genome position (GRCh38, 1-based): chrX:153,954,832, G>A on the plus strand (C>T on the coding strand, the complement: HCFC1 is on the minus strand). VCF-style: chrX-153954832-G-A. GRCh37 (hg19) VCF-style: chrX-153220283-G-A.
Other names: c.3567C>T, p.Ala1189= (NM_001410705.1); c.3567C>T (NM_005334.2).
Identifiers: ClinVar variation 2750231 (VCV002750231.10), dbSNP rs782488868, ClinGen allele CA10557168.